The following is an entry in ClinVar:

NM_014391.3(ANKRD1):c.348G>A (p.Thr116=)

Gene: ANKRD1 (ankyrin repeat domain 1; minus strand). Cytogenetic location: 10q23.31.
Variant type: single nucleotide variant.
Coding change: c.348G>A on transcript NM_014391.3 (MANE Select); coding-DNA position 348, G replaced by A.
Protein change: p.Thr116=; no amino-acid change (threonine 116 retained).
Molecular consequence: synonymous variant.
Genome position (GRCh38, 1-based): chr10:90,918,970, C>T on the plus strand (G>A on the coding strand, the complement: ANKRD1 is on the minus strand). VCF-style: chr10-90918970-C-T. GRCh37 (hg19) VCF-style: chr10-92678727-C-T.
Other names: p.T116T:ACG>ACA.
Identifiers: ClinVar variation 45633 (VCV000045633.29), dbSNP rs137914723, ClinGen allele CA136838.

ClinVar aggregate classification (germline): Benign. Review status: criteria provided, multiple submitters, no conflicts (2 of 4 stars). 11 submissions from 11 submitters: Benign (8). 3 of the submissions do not count toward it. Last evaluated 2026-02-03.

Conditions:
Cardiovascular phenotype. Identifiers: MedGen CN230736.
Cardiomyopathy (CMYO). Also called: Cardiomyopathies. Identifiers: Orphanet 167848, MedGen C0878544, MONDO:0004994, HP:0001638. Inheritance: Various modes of inheritance.
ANKRD1-related dilated cardiomyopathy. Identifiers: MedGen CN119551.
Primary dilated cardiomyopathy (DCM). Also called: Dilated Cardiomyopathy. Identifiers: Orphanet 217604, MedGen C0007193, MeSH D002311, MONDO:0005021, HP:0001644. Inheritance: Various modes of inheritance.

Allele frequency attached by ClinVar (database versions not stated): ESP Exome Variant Server 0.00023; gnomAD exomes 0.00344 and 0.01465; gnomAD 0.00748 and 0.00768; ExAC 0.01246; TOPMed 0.01286; 1000 Genomes Project 0.01418; 1000 Genomes Project 30x 0.01437.
gnomAD v4.1: 5,928 of 1,564,118 alleles (0.38%); highest among the groups gnomAD compares: Admixed American, 8.6%; 356 homozygotes.

Submissions (13):

Labcorp Genetics (formerly Invitae), Labcorp
Classification: Benign for ANKRD1-related dilated cardiomyopathy. Last evaluated: 2026-02-03. Review status: criteria provided, single submitter. Criteria: Invitae Variant Classification Sherloc (09022015). Collection method: clinical testing. Allele origin: germline.

Illumina Laboratory Services, Illumina
Classification: Benign for Primary dilated cardiomyopathy. Last evaluated: 2018-01-13. Review status: criteria provided, single submitter. Criteria: ICSL Variant Classification Criteria 13 December 2019. Collection method: clinical testing. Allele origin: germline.
Comment: This variant was observed in the ICSL laboratory as part of a predisposition screen in an ostensibly healthy population. It had not been previously curated by ICSL or reported in the Human Gene Mutation Database (HGMD: prior to June 1st, 2018), and was therefore a candidate for classification through an automated scoring system. Utilizing variant allele frequency, disease prevalence and penetrance estimates, and inheritance mode, an automated score was calculated to assess if this variant is too frequent to cause the disease. Based on the score and internal cut-off values, a variant classified as benign is not then subjected to further curation. The score for this variant resulted in a classification of benign for this disease.

Women's Health and Genetics/Laboratory Corporation of America, LabCorp
Classification: Benign. Last evaluated: 2017-07-31. Review status: criteria provided, single submitter. Criteria: LabCorp Variant Classification Summary - May 2015. Collection method: clinical testing. Allele origin: germline.
Comment: Variant summary: The ANKRD1 c.348G>A (p.Thr116Thr) variant involves the alteration of a non-conserved nucleotide, resulting in a synonymous change. Mutation taster predicts a polymorphism outcome for this variant. 3/5 splice prediction tools predict no significant impact on normal splicing. ESE finder predicts that this variant affects binding of multiple ESE sites. However, these predictions have yet to be confirmed by functional studies. This variant was found in 1468/117822 control chromosomes (91 homozygotes) from ExAC, predominantly observed in the Latino subpopulation at a frequency of 0.116363 (1317/11318). This frequency is about 3385 times the estimated maximal expected allele frequency of a pathogenic ANKRD1 variant (0.0000344), thus this is a common benign polymorphism found primarily in the populations of Latino origin. In addition, multiple clinical diagnostic laboratories (via ClinVar) have classified this variant as benign/likely benign. This variant was also reported as a polymorphism in the literature (Arimura _2009). Taken together, this variant is classified as benign.

CHEO Genetics Diagnostic Laboratory, Children's Hospital of Eastern Ontario
Classification: Benign for Cardiomyopathy. Last evaluated: 2015-11-19. Review status: criteria provided, single submitter. Criteria: ACMG Guidelines, 2015. Collection method: clinical testing. Allele origin: germline. Study: Canadian Open Genetics Repository.

Ambry Genetics
Classification: Benign for Cardiovascular phenotype. Last evaluated: 2015-08-28. Review status: criteria provided, single submitter. Criteria: Ambry Variant Classification Scheme 2023. Collection method: clinical testing. Allele origin: germline.

Laboratory for Molecular Medicine, Mass General Brigham Personalized Medicine
Classification: Benign. Last evaluated: 2015-07-07. Review status: criteria provided, single submitter. Criteria: LMM Criteria. Collection method: clinical testing. Allele origin: germline. Observed: 14 variant alleles.
Comment: p.Thr116Thr in exon 4 of ANKRD1: This variant is not expected to have clinical s ignificance because it does not alter an amino acid residue and is not located w ithin the splice consensus sequence. It has been identified in 11.6% (1317/11318 ) of Latino chromosomes including 90 homozygotes and 1.3% (110/8288) of East Asi an chromosomes by the Exome Aggregation Consortium (ExAC; dbSNP rs137914723).

GeneDx
Classification: Benign. Last evaluated: 2013-10-08. Review status: criteria provided, single submitter. Criteria: GeneDx Variant Classification (06012015). Collection method: clinical testing. Allele origin: germline. Affected: yes.
Comment: This variant is considered likely benign or benign based on one or more of the following criteria: it is a conservative change, it occurs at a poorly conserved position in the protein, it is predicted to be benign by multiple in silico algorithms, and/or has population frequency not consistent with disease.

Breakthrough Genomics
Classification: Benign. Review status: criteria provided, single submitter. Criteria: ACMG Guidelines, 2015. Collection method: not provided. Allele origin: germline. Inheritance: Unknown mechanism. Affected: yes.

Clinical Genetics, Academic Medical Center
Classification: Benign. Review status: no assertion criteria provided. Collection method: clinical testing. Allele origin: germline. Affected: yes. Study: VKGL Data-share Consensus. Not counted in ClinVar's aggregate classification.

Dr. Peter K. Rogan Lab, Western University
No classification provided (evidence only). Condition: Clear cell carcinoma of kidney. Review status: no classification provided. Collection method: in vitro. Allele origin: not applicable. Functional consequence: retained intron. Not counted in ClinVar's aggregate classification.

Dr. Peter K. Rogan Lab, Western University
No classification provided (evidence only). Condition: Cholangiocarcinoma. Review status: no classification provided. Collection method: in vitro. Allele origin: not applicable. Functional consequence: retained intron. Not counted in ClinVar's aggregate classification.

Joint Genome Diagnostic Labs from Nijmegen and Maastricht, Radboudumc and MUMC+
Classification: Benign. Review status: no assertion criteria provided. Collection method: clinical testing. Allele origin: germline. Affected: yes. Study: VKGL Data-share Consensus. Not counted in ClinVar's aggregate classification.

Laboratory of Diagnostic Genome Analysis, Leiden University Medical Center (LUMC)
Classification: Likely benign. Review status: no assertion criteria provided. Collection method: clinical testing. Allele origin: germline. Affected: yes. Study: VKGL Data-share Consensus. Not counted in ClinVar's aggregate classification.

Literature cited by the submitters: PubMed 19608031 (cited by Women's Health and Genetics/Laboratory Corporation of America, LabCorp).